The following is an entry in ClinVar:

NM_018010.4(IFT57):c.675del (p.Lys225fs)

Gene: IFT57 (intraflagellar transport 57; minus strand). Cytogenetic location: 3q13.12.
Variant type: Deletion.
Coding change: c.675del on transcript NM_018010.4 (MANE Select); coding-DNA position 675, one base deleted (A; older notation c.675delA).
Protein change: p.Lys225fs; shifts the reading frame from lysine 225.
Molecular consequence: frameshift variant.
Genome position (GRCh38, 1-based): chr3:108,191,623, T deleted on the plus strand (A on the coding strand, the reverse complement: IFT57 is on the minus strand); the first of 3 consecutive T bases (chr3:108,191,623-108,191,625); deleting any one gives the same sequence. VCF-style (leftmost placement, unchanged base first): chr3-108191622-GT-G. GRCh37 (hg19) VCF-style: chr3-107910469-GT-G.
Other names: short protein forms K225fs.
Identifiers: ClinVar variation 3777035 (VCV003777035.3).
Genomic context (GRCh38, chr3:108,191,622, plus strand): 5'-CACGTTCCACTTCTAGGCTCCATTCTGCAGCATCTGTTGTGGATTCCAAAATATCTTCTT[GT>G]TTGGCAGTCTCGTTCATATCCTAAGAAAGGAAAGATATCACAAGATTGAGAGTTTATAAA-3'

ClinVar aggregate classification (germline): Uncertain significance. Review status: criteria provided, multiple submitters, no conflicts (2 of 4 stars). 2 submissions from 2 submitters: Uncertain significance (2). Last evaluated 2025-05-11.

Conditions:
Bardet-Biedl syndrome (BBS). Identifiers: Orphanet 110, MedGen C0752166, MONDO:0015229.

Submissions (2):

Labcorp Genetics (formerly Invitae), Labcorp
Classification: Uncertain significance. Last evaluated: 2025-05-11. Review status: criteria provided, single submitter. Criteria: Invitae Variant Classification Sherloc (09022015). Collection method: clinical testing. Allele origin: germline.
Comment: This sequence change creates a premature translational stop signal (p.Lys225Asnfs*17) in the IFT57 gene. It is expected to result in an absent or disrupted protein product. However, the current clinical and genetic evidence is not sufficient to establish whether loss-of-function variants in IFT57 cause disease. This variant is present in population databases (no rsID available, gnomAD 0.0009%). This premature translational stop signal has been observed in individual(s) with Bardet-Biedl Syndrome (PMID: 40273360). ClinVar contains an entry for this variant (Variation ID: 3777035). In summary, the available evidence is currently insufficient to determine the role of this variant in disease. Therefore, it has been classified as a Variant of Uncertain Significance.

Heon Lab, The Hospital for Sick Children
Classification: Uncertain significance for Bardet-Biedl syndrome. Last evaluated: 2025-03-24. Review status: criteria provided, single submitter. Criteria: ACMG Guidelines, 2015. Collection method: research. Allele origin: germline, not applicable. Inheritance: Autosomal recessive inheritance. Affected: yes. Observed: 1 compound heterozygote. Functional consequence: RNA degradation by nonsense-mediated decay. Segregation with disease observed.
Comment: Transcriptome analysis and digital PCR showig non-sense mediated decay of the frameshift mutation.

Literature cited by the submitters: PubMed 40273360 (cited by Labcorp Genetics (formerly Invitae), Labcorp).